The following is an entry in ClinVar:

NM_001085382.2(PSAPL1):c.897C>T (p.Asn299=)

Genes: PSAPL1 (prosaposin like 1; minus strand), SORCS2 (sortilin related VPS10 domain containing receptor 2; plus strand). Cytogenetic location: 4p16.1.
Variant type: single nucleotide variant.
Coding change: c.897C>T on transcript NM_001085382.2 (MANE Select); coding-DNA position 897, C replaced by T.
Protein change: p.Asn299=; no amino-acid change (asparagine 299 retained).
Molecular consequence: synonymous variant. On other transcripts: intron variant (1).
Genome position (GRCh38, 1-based): chr4:7,433,983, G>A on the plus strand (C>T on the coding strand, the complement: PSAPL1 is on the minus strand). VCF-style: chr4-7433983-G-A. GRCh37 (hg19) VCF-style: chr4-7435710-G-A.
Other names: c.548+37628G>A (NM_020777.3).
Identifiers: ClinVar variation 2654636 (VCV002654636.24), dbSNP rs75831778, ClinGen allele CA2844783.

ClinVar aggregate classification (germline): Likely benign (1 of 4 stars; one submission).

Allele frequency attached by ClinVar (database versions not stated): TOPMed below 0.00001; ExAC 0.00001; gnomAD 0.00002.
gnomAD v4.1: 17 of 1,613,770 alleles (0.0011%); highest among the groups gnomAD compares: Middle Eastern, 0.066%; no homozygotes.

Submission:

CeGaT Center for Human Genetics Tuebingen
Classification: Likely benign. Last evaluated: 2022-07-01. Review status: criteria provided, single submitter. Criteria: CeGaT Center For Human Genetics Tuebingen Variant Classification Criteria Version 2. Collection method: clinical testing. Allele origin: germline. Affected: yes. Observed: 1 variant allele.
Comment: PSAPL1: BP4, BP7